The following is an entry in ClinVar:

NM_001041.4(SI):c.4072G>A (p.Ala1358Thr)

Gene: SI (sucrase-isomaltase; minus strand). Cytogenetic location: 3q26.1.
Variant type: single nucleotide variant.
Coding change: c.4072G>A on transcript NM_001041.4 (MANE Select); coding-DNA position 4072, G replaced by A.
Protein change: p.Ala1358Thr; replaces alanine 1358 with threonine.
Molecular consequence: missense variant.
Genome position (GRCh38, 1-based): chr3:165,009,386, C>T on the plus strand (G>A on the coding strand, the complement: SI is on the minus strand). VCF-style: chr3-165009386-C-T. GRCh37 (hg19) VCF-style: chr3-164727174-C-T.
Other names: short protein forms A1358T.
Identifiers: ClinVar variation 1036129 (VCV001036129.8), dbSNP rs1718664179, ClinGen allele CA355033987.

ClinVar aggregate classification (germline): Uncertain significance (1 of 4 stars; one submission).

Submission:

Labcorp Genetics (formerly Invitae), Labcorp
Classification: Uncertain significance. Last evaluated: 2023-05-23. Review status: criteria provided, single submitter. Criteria: Invitae Variant Classification Sherloc (09022015). Collection method: clinical testing. Allele origin: germline.
Comment: Advanced modeling of protein sequence and biophysical properties (such as structural, functional, and spatial information, amino acid conservation, physicochemical variation, residue mobility, and thermodynamic stability) has been performed at Invitae for this missense variant, however the output from this modeling did not meet the statistical confidence thresholds required to predict the impact of this variant on SI protein function. In summary, the available evidence is currently insufficient to determine the role of this variant in disease. Therefore, it has been classified as a Variant of Uncertain Significance. ClinVar contains an entry for this variant (Variation ID: 1036129). This sequence change replaces alanine, which is neutral and non-polar, with threonine, which is neutral and polar, at codon 1358 of the SI protein (p.Ala1358Thr). This variant is not present in population databases (gnomAD no frequency). This variant has not been reported in the literature in individuals affected with SI-related conditions.